The following is an entry in ClinVar:

ClinVar aggregate classification (germline): Conflicting classifications of pathogenicity. Review status: criteria provided, conflicting classifications (1 of 4 stars). 3 submissions from 3 submitters: Uncertain significance (2); Likely benign (1). Last evaluated 2024-06-04.

Conditions:
Temple-Baraitser syndrome (TMBTS). Also called: Severe mental retardation and absent nails of hallux and pollex. Identifiers: Orphanet 420561, MedGen C2678486, MONDO:0012735, OMIM 611816.

Allele frequency attached by ClinVar (database versions not stated): gnomAD 0.00001; TOPMed 0.00002.
gnomAD v4.1: 12 of 1,614,012 alleles (0.00074%); highest among the groups gnomAD compares: African/African-American, 0.004%; no homozygotes.

Submissions (3):

Labcorp Genetics (formerly Invitae), Labcorp
Classification: Likely benign. Last evaluated: 2024-06-04. Review status: criteria provided, single submitter. Criteria: Invitae Variant Classification Sherloc (09022015). Collection method: clinical testing. Allele origin: germline.

GeneDx
Classification: Uncertain significance. Last evaluated: 2021-06-04. Review status: criteria provided, single submitter. Criteria: GeneDx Variant Classification Process June 2021. Collection method: clinical testing. Allele origin: germline. Affected: yes.
Comment: Not observed at significant frequency in large population cohorts (Lek et al., 2016); In silico analysis supports that this missense variant does not alter protein structure/function; Has not been previously published as pathogenic or benign to our knowledge; This variant is associated with the following publications: (PMID: 27535533)

New York Genome Center
Classification: Uncertain significance for Temple-Baraitser syndrome. Last evaluated: 2020-08-26. Review status: criteria provided, single submitter. Criteria: NYGC Assertion Criteria 2020. Collection method: clinical testing. Allele origin: inherited. Observed: 1 heterozygote. Study: CSER-NYCKidSeq.

NM_172362.3(KCNH1):c.2054C>T (p.Thr685Met)

Gene: KCNH1 (potassium voltage-gated channel subfamily H member 1; minus strand). Cytogenetic location: 1q32.2.
Variant type: single nucleotide variant.
Coding change: c.2054C>T on transcript NM_172362.3 (MANE Select); coding-DNA position 2054, C replaced by T.
Protein change: p.Thr685Met; replaces threonine 685 with methionine.
Molecular consequence: missense variant.
Genome position (GRCh38, 1-based): chr1:210,775,406, G>A on the plus strand (C>T on the coding strand, the complement: KCNH1 is on the minus strand). VCF-style: chr1-210775406-G-A. GRCh37 (hg19) VCF-style: chr1-210948748-G-A.
Other names: c.2054C>T (NM_172362.2); c.1973C>T, p.Thr658Met (NM_002238.4); short protein forms T658M, T685M.
Identifiers: ClinVar variation 1213775 (VCV001213775.8), dbSNP rs1349830428, ClinGen allele CA344871991.